The following is an entry in ClinVar:

ClinVar aggregate classification (germline): Uncertain significance. Review status: criteria provided, multiple submitters, no conflicts (2 of 4 stars). 2 submissions from 2 submitters: Uncertain significance (2). Last evaluated 2022-09-12.

Conditions:
Diffuse cerebral and cerebellar atrophy - intractable seizures - progressive microcephaly syndrome. Also called: Microcephaly, progressive, with seizures and cerebral and cerebellar atrophy. Identifiers: Orphanet 404437, MedGen C4014239, MONDO:0014335, OMIM 615760.

Submissions (2):

Labcorp Genetics (formerly Invitae), Labcorp
Classification: Uncertain significance for Diffuse cerebral and cerebellar atrophy - intractable seizures - progressive microcephaly syndrome. Last evaluated: 2022-09-12. Review status: criteria provided, single submitter. Criteria: Invitae Variant Classification Sherloc (09022015). Collection method: clinical testing. Allele origin: germline.
Comment: In summary, the available evidence is currently insufficient to determine the role of this variant in disease. Therefore, it has been classified as a Variant of Uncertain Significance. Experimental studies and prediction algorithms are not available or were not evaluated, and the functional significance of this variant is currently unknown. ClinVar contains an entry for this variant (Variation ID: 452189). This variant has not been reported in the literature in individuals affected with QARS-related conditions. This variant is present in population databases (no rsID available, gnomAD 0.0009%). This variant, c.55_57del, results in the deletion of 1 amino acid(s) of the QARS protein (p.Lys19del), but otherwise preserves the integrity of the reading frame.

GeneDx
Classification: Uncertain significance. Last evaluated: 2017-09-20. Review status: criteria provided, single submitter. Criteria: GeneDx Variant Classification (06012015). Collection method: clinical testing. Allele origin: germline. Affected: yes.
Comment: The c.55_57delAAG variant has not been published as a pathogenic variant, nor has it been reported as a benign variant to our knowledge. This variant is not observed in large population cohorts (Lek et al., 2016). The c.55_57delAAG variant results in an in-frame deletion of a single Lysine residue, denoted p.Lys19del. However, other in-frame deletions have not been reported in the Human Gene Mutation Database (Stenson et al., 2014).

NM_005051.3(QARS1):c.55_57del (p.Lys19del)

Genes: QARS1 (glutaminyl-tRNA synthetase 1; minus strand), LOC129936736 (ATAC-STARR-seq lymphoblastoid active region 19853; plus strand). Cytogenetic location: 3p21.31.
Variant type: Deletion.
Coding change: c.55_57del on transcript NM_005051.3 (MANE Select); coding-DNA positions 55 to 57, 3 bases deleted (AAG; older notation c.55_57delAAG).
Protein change: p.Lys19del; deletes lysine 19.
Molecular consequence: inframe deletion. On other transcripts: non-coding transcript variant (1).
Genome position (GRCh38, 1-based): chr3:49,104,677-49,104,679, CTT deleted on the plus strand (AAG on the coding strand, the reverse complement: QARS1 is on the minus strand); deleting any 3 consecutive bases within chr3:49,104,677-49,104,681 gives the same sequence; the c. name uses the placement nearest the transcript's 3' end. VCF-style (leftmost placement, unchanged base first): chr3-49104676-CCTT-C. GRCh37 (hg19) VCF-style: chr3-49142109-CCTT-C.
Other names: c.55_57del, p.Lys19del (NM_001272073.2); short protein forms K19del.
Identifiers: ClinVar variation 452189 (VCV000452189.7), dbSNP rs1170759657, ClinGen allele CA543047984.